The following is an entry in ClinVar:

NM_005902.4(SMAD3):c.110G>A (p.Ser37Asn)

Gene: SMAD3 (SMAD family member 3; plus strand). Cytogenetic location: 15q22.33.
Variant type: single nucleotide variant.
Coding change: c.110G>A on transcript NM_005902.4 (MANE Select); coding-DNA position 110, G replaced by A.
Protein change: p.Ser37Asn; replaces serine 37 with asparagine.
Molecular consequence: missense variant.
Genome position (GRCh38, 1-based): chr15:67,066,264, G>A. VCF-style: chr15-67066264-G-A. GRCh37 (hg19) VCF-style: chr15-67358602-G-A.
Other names: c.110G>A, p.Ser37Asn (NM_001407011.1, NM_001407012.1, NM_001407013.1); short protein forms S37N.
Identifiers: ClinVar variation 3073615 (VCV003073615.1), dbSNP rs1555405107, ClinGen allele CA393202911.

ClinVar aggregate classification (germline): Uncertain significance (1 of 4 stars; one submission).

Conditions:
Aneurysm-osteoarthritis syndrome. Also called: SMAD3-Related Loeys-Dietz Syndrome; ANEURYSMS-OSTEOARTHRITIS SYNDROME; Loeys-Dietz syndrome, type 1C; LOEYS-DIETZ SYNDROME WITH OSTEOARTHRITIS. Identifiers: Orphanet 284984, MedGen C3151087, MONDO:0013426, OMIM 613795.

Allele frequency attached by ClinVar (database versions not stated): gnomAD exomes below 0.00001.

Submission:

All of Us Research Program, National Institutes of Health
Classification: Uncertain significance for Aneurysm-osteoarthritis syndrome. Last evaluated: 2023-10-02. Review status: criteria provided, single submitter. Criteria: ACMG Guidelines, 2015. Collection method: clinical testing. Allele origin: germline. Inheritance: Autosomal dominant inheritance. Observed: 1 variant allele, 1 heterozygote.
Comment: This missense variant replaces serine with asparagine at codon 37 of the SMAD3 protein. Computational prediction suggests that this variant may not impact protein structure and function (internally defined REVEL score threshold <= 0.5, PMID: 27666373). To our knowledge, functional studies have not been reported for this variant. This variant has not been reported in individuals affected with SMAD3-related disorders in the literature. This variant has not been identified in the general population by the Genome Aggregation Database (gnomAD). The available evidence is insufficient to determine the role of this variant in disease conclusively. Therefore, this variant is classified as a Variant of Uncertain Significance.

This study involves interpretation of variants in research participants for the purpose of population health screening. Participant phenotype was not available at the time of variant classification. Additional details can be found in publication PMID: 35346344, PMCID: PMC8962531